The following is an entry in ClinVar:

ClinVar aggregate classification (germline): Conflicting classifications of pathogenicity. Review status: criteria provided, conflicting classifications (1 of 4 stars). 4 submissions from 4 submitters: Uncertain significance (3); Benign (1). Last evaluated 2025-10-26.

Conditions:
Inborn genetic diseases. Identifiers: MedGen C0950123, MeSH D030342.

Allele frequency attached by ClinVar (database versions not stated): gnomAD exomes 0.00019 and 0.00022; ExAC 0.00020; TOPMed 0.00021; gnomAD 0.00022; ESP Exome Variant Server 0.00054.
gnomAD v4.1: 347 of 1,614,044 alleles (0.021%); highest among the groups gnomAD compares: Non-Finnish European, 0.026%; no homozygotes.

Submissions (4):

Labcorp Genetics (formerly Invitae), Labcorp
Classification: Benign. Last evaluated: 2025-10-26. Review status: criteria provided, single submitter. Criteria: Invitae Variant Classification Sherloc (09022015). Collection method: clinical testing. Allele origin: germline.

Ambry Genetics
Classification: Uncertain significance for Inborn genetic diseases. Last evaluated: 2025-06-29. Review status: criteria provided, single submitter. Criteria: Ambry Variant Classification Scheme 2023. Collection method: clinical testing. Allele origin: germline.

Blueprint Genetics
Classification: Uncertain significance. Last evaluated: 2024-11-15. Review status: criteria provided, single submitter. Criteria: ACMG Guidelines, 2015. Collection method: clinical testing. Allele origin: germline.

GeneDx
Classification: Uncertain significance. Last evaluated: 2020-01-27. Review status: criteria provided, single submitter. Criteria: GeneDx Variant Classification Process June 2021. Collection method: clinical testing. Allele origin: germline. Affected: yes.
Comment: In silico analysis, which includes protein predictors and evolutionary conservation, supports a deleterious effect; Has not been previously published as pathogenic or benign to our knowledge

NM_001286577.2(C2CD3):c.4097C>T (p.Ser1366Leu)

Gene: C2CD3 (C2 domain containing 3 centriole elongation regulator; minus strand). Cytogenetic location: 11q13.4.
Variant type: single nucleotide variant.
Coding change: c.4097C>T on transcript NM_001286577.2 (MANE Select); coding-DNA position 4097, C replaced by T.
Protein change: p.Ser1366Leu; replaces serine 1366 with leucine.
Molecular consequence: missense variant.
Genome position (GRCh38, 1-based): chr11:74,078,621, G>A on the plus strand (C>T on the coding strand, the complement: C2CD3 is on the minus strand). VCF-style: chr11-74078621-G-A. GRCh37 (hg19) VCF-style: chr11-73789666-G-A.
Other names: c.4097C>T (NM_015531.4); c.4097C>T, p.Ser1366Leu (NM_015531.6); short protein forms S1366L.
Identifiers: ClinVar variation 1315114 (VCV001315114.10), dbSNP rs144630140, ClinGen allele CA6182203.